The following is an entry in ClinVar:

NM_012293.3(PXDN):c.4357C>A (p.Pro1453Thr)

Gene: PXDN (peroxidasin; minus strand). Cytogenetic location: 2p25.3.
Variant type: single nucleotide variant.
Coding change: c.4357C>A on transcript NM_012293.3 (MANE Select); coding-DNA position 4357, C replaced by A.
Protein change: p.Pro1453Thr; replaces proline 1453 with threonine.
Molecular consequence: missense variant.
Genome position (GRCh38, 1-based): chr2:1,634,287, G>T on the plus strand (C>A on the coding strand, the complement: PXDN is on the minus strand). VCF-style: chr2-1634287-G-T. GRCh37 (hg19) VCF-style: chr2-1638059-G-T.
Other names: short protein forms P1453T.
Identifiers: ClinVar variation 2854449 (VCV002854449.4), dbSNP rs1172607325, ClinGen allele CA345697479.

ClinVar aggregate classification (germline): Uncertain significance. Review status: criteria provided, multiple submitters, no conflicts (2 of 4 stars). 2 submissions from 2 submitters: Uncertain significance (2). Last evaluated 2024-10-16.

Conditions:
Anterior segment dysgenesis 7 (ASGD7). Also called: SCLEROCORNEA WITH OTHER OCULAR ANOMALIES; Anterior segment dysgenesis 7, with sclerocornea. Identifiers: Orphanet 289499, MedGen C3151617, MONDO:0010015, OMIM 269400.

Allele frequency attached by ClinVar (database versions not stated): TOPMed 0.00001.

Submissions (2):

Labcorp Genetics (formerly Invitae), Labcorp
Classification: Uncertain significance for Anterior segment dysgenesis 7. Last evaluated: 2024-10-16. Review status: criteria provided, single submitter. Criteria: Invitae Variant Classification Sherloc (09022015). Collection method: clinical testing. Allele origin: germline.
Comment: This sequence change replaces proline, which is neutral and non-polar, with threonine, which is neutral and polar, at codon 1453 of the PXDN protein (p.Pro1453Thr). The frequency data for this variant in the population databases is considered unreliable, as metrics indicate poor data quality at this position in the gnomAD database. This variant has not been reported in the literature in individuals affected with PXDN-related conditions. An algorithm developed to predict the effect of missense changes on protein structure and function (PolyPhen-2) suggests that this variant is likely to be tolerated. In summary, the available evidence is currently insufficient to determine the role of this variant in disease. Therefore, it has been classified as a Variant of Uncertain Significance.

Breakthrough Genomics
Classification: Uncertain significance. Review status: criteria provided, single submitter. Criteria: ACMG Guidelines, 2015. Collection method: not provided. Allele origin: germline. Inheritance: Autosomal recessive inheritance. Affected: yes.